The following is an entry in ClinVar:

ClinVar aggregate classification (germline): Uncertain significance (1 of 4 stars; one submission).

Conditions:
DYRK1A-related intellectual disability syndrome (MRD7). Also called: Intellectual developmental disorder, autosomal dominant 7; DYRK1A Syndrome. Identifiers: Orphanet 464306, MedGen C5568143, MONDO:0013578, OMIM 614104.

gnomAD v4.1: 1 of 1,613,142 alleles (0.000062%); no homozygotes.

Submission:

Labcorp Genetics (formerly Invitae), Labcorp
Classification: Uncertain significance for DYRK1A-related intellectual disability syndrome. Last evaluated: 2023-07-07. Review status: criteria provided, single submitter. Criteria: Invitae Variant Classification Sherloc (09022015). Collection method: clinical testing. Allele origin: germline.
Comment: This sequence change replaces tyrosine, which is neutral and polar, with cysteine, which is neutral and slightly polar, at codon 147 of the DYRK1A protein (p.Tyr147Cys). This variant is present in population databases (no rsID available, gnomAD 0.0009%). This variant has not been reported in the literature in individuals affected with DYRK1A-related conditions. Advanced modeling of protein sequence and biophysical properties (such as structural, functional, and spatial information, amino acid conservation, physicochemical variation, residue mobility, and thermodynamic stability) performed at Invitae indicates that this missense variant is expected to disrupt DYRK1A protein function. In summary, the available evidence is currently insufficient to determine the role of this variant in disease. Therefore, it has been classified as a Variant of Uncertain Significance.

NM_001347721.2(DYRK1A):c.413A>G (p.Tyr138Cys)

Gene: DYRK1A (dual specificity tyrosine phosphorylation regulated kinase 1A; plus strand). Cytogenetic location: 21q22.13.
Variant type: single nucleotide variant.
Coding change: c.413A>G on transcript NM_001347721.2 (MANE Select); coding-DNA position 413, A replaced by G.
Protein change: p.Tyr138Cys; replaces tyrosine 138 with cysteine.
Molecular consequence: missense variant.
Genome position (GRCh38, 1-based): chr21:37,480,750, A>G. VCF-style: chr21-37480750-A-G. GRCh37 (hg19) VCF-style: chr21-38853052-A-G.
Other names: c.413A>G, p.Tyr138Cys (NM_001347722.2, NM_130436.2); c.326A>G, p.Tyr109Cys (NM_001347723.2); c.440A>G, p.Tyr147Cys (NM_001396.5, NM_101395.2, NM_130438.2); short protein forms Y147C, Y109C, Y138C.
Identifiers: ClinVar variation 2726806 (VCV002726806.3), dbSNP rs1204853440, ClinGen allele CA409944400.
Genomic context (GRCh38, chr21:37,480,750, plus strand): 5'-CTAGTCATAAGAAGGAACGGAAGGTTTACAATGATGGTTATGATGATGATAACTATGATT[A>G]TATTGTAAAAAACGGAGAAAAGTGGATGGATCGTTACGAAATTGACTCCTTGATAGGCAA-3'
Protein context (NP_001334650.1, residues 128-148): NDGYDDDNYD[Tyr138Cys]IVKNGEKWMD